The following is an entry in ClinVar:

ClinVar aggregate classification (germline): Pathogenic (1 of 4 stars; one submission).

Conditions:
Cystic fibrosis (CF). Also called: MUCOVISCIDOSIS. Identifiers: Orphanet 586, MedGen C0010674, MONDO:0009061, OMIM 219700. Disease mechanism: loss of function.

Submission:

Ambry Genetics
Classification: Pathogenic for Cystic fibrosis. Last evaluated: 2021-02-16. Review status: criteria provided, single submitter. Criteria: Ambry Variant Classification Scheme 2023. Collection method: clinical testing. Allele origin: germline.
Comment: The c.551_555delTTTCC pathogenic mutation, located in coding exon 5 of the CFTR gene, results from a deletion of 5 nucleotides at nucleotide positions 551 to 555, causing a translational frameshift with a predicted alternate stop codon (p.L184Qfs*7). This alteration is expected to result in loss of function by premature protein truncation or nonsense-mediated mRNA decay. As such, this alteration is interpreted as a disease-causing mutation.

NM_000492.4(CFTR):c.551_555del (p.Leu184fs)

Gene: CFTR (CF transmembrane conductance regulator; plus strand). Cytogenetic location: 7q31.2.
Variant type: Deletion.
Coding change: c.551_555del on transcript NM_000492.4 (MANE Select); coding-DNA positions 551 to 555, 5 bases deleted (TTTCC; older notation c.551_555delTTTCC).
Protein change: p.Leu184fs; shifts the reading frame from leucine 184.
Molecular consequence: frameshift variant.
Genome position (GRCh38, 1-based): chr7:117,534,337-117,534,341, TTTCC deleted; deleting any 5 consecutive bases within chr7:117,534,334-117,534,341 gives the same sequence; the c. name uses the placement nearest the transcript's 3' end. VCF-style (leftmost placement, unchanged base first): chr7-117534333-CTCCTT-C. GRCh37 (hg19) VCF-style: chr7-117174387-CTCCTT-C.
Other names: short protein forms L184fs.
Identifiers: ClinVar variation 1748034 (VCV001748034.2), dbSNP rs2485014544, ClinGen allele CA2580076342.